The following is an entry in ClinVar:

NM_001017420.3(ESCO2):c.1615T>G (p.Trp539Gly)

Gene: ESCO2 (establishment of sister chromatid cohesion N-acetyltransferase 2; plus strand). Cytogenetic location: 8p21.1.
Variant type: single nucleotide variant.
Coding change: c.1615T>G on transcript NM_001017420.3 (MANE Select); coding-DNA position 1615, T replaced by G.
Protein change: p.Trp539Gly; replaces tryptophan 539 with glycine.
Molecular consequence: missense variant.
Genome position (GRCh38, 1-based): chr8:27,799,658, T>G. VCF-style: chr8-27799658-T-G. GRCh37 (hg19) VCF-style: chr8-27657175-T-G.
Other names: short protein forms W539G.
Identifiers: ClinVar variation 1735 (VCV000001735.9), dbSNP rs80359868, ClinGen allele CA339903.

ClinVar aggregate classification (germline): Likely pathogenic. Review status: criteria provided, multiple submitters, no conflicts (2 of 4 stars). 5 submissions from 5 submitters: Likely pathogenic (3). 2 of the submissions do not count toward it. Last evaluated 2026-02-26.

Conditions:
Roberts-SC phocomelia syndrome (RBS). Also called: Hypomelia hypotrichosis facial hemangioma syndrome; LONG BONE DEFICIENCIES ASSOCIATED WITH CLEFT LIP-PALATE; Pseudothalidomide syndrome; Appelt-Gerken-Lenz syndrome; ESCO2 Spectrum Disorder. Identifiers: Orphanet 3103, MedGen C0392475, MONDO:0100253, OMIM 268300.

Allele frequency attached by ClinVar (database versions not stated): gnomAD exomes below 0.00001; TOPMed below 0.00001.
gnomAD v4.1: 2 of 1,613,970 alleles (0.00012%); highest among the groups gnomAD compares: Non-Finnish European, 0.00017%; no homozygotes.

Submissions (5):

Women's Health and Genetics/Laboratory Corporation of America, LabCorp
Classification: Likely pathogenic for Roberts-SC phocomelia syndrome. Last evaluated: 2026-02-26. Review status: criteria provided, single submitter. Criteria: LabCorp Variant Classification Summary - May 2015. Collection method: clinical testing. Allele origin: germline.
Comment: Variant summary: ESCO2 c.1615T>G (p.Trp539Gly) results in a non-conservative amino acid change in the encoded protein sequence. Algorithms developed to predict the effect of missense changes on protein structure and function all suggest that this variant is likely to be disruptive. The variant was absent in 251466 control chromosomes. c.1615T>G has been observed in at least one individual affected with Roberts-SC phocomelia syndrome (e.g. Vega_2005). These report(s) do not provide unequivocal conclusions about association of the variant with Roberts-SC phocomelia syndrome. Several publications reports experimental evidence evaluating an impact on protein function showing significantly reduced autoacetyltransferase enzyme activity (e.g. Gordilla_2008), with this effect additionally confirmed or its mechanistic significance in disease validated in other studies (e.g. Vega_2010, vanderLelij_2009, Fu_2023). The following publications have been ascertained in the context of this evaluation (PMID: 18411254, 15821733, 19738907, 37377435, 19574259). ClinVar contains an entry for this variant (Variation ID: 1735). Based on the evidence outlined above, the variant was classified as likely pathogenic.

Natera, Inc.
Classification: Likely pathogenic for Roberts syndrome. Last evaluated: 2025-06-02. Review status: criteria provided, single submitter. Criteria: Natera Variant Classification Schema (03/2026). Collection method: clinical testing. Allele origin: germline.
Comment: The c.1615T>G variant in ESCO2 is a missense variant predicted to cause substitution of tryptophan to glycine at amino acid 539. This variant is rare in the general population with a frequency below the threshold expected for the associated phenotype(s). This variant has been observed in one or more individuals affected with the associated recessive disease, as either homozygous or compound heterozygous with a second variant (PMID: 15821733). This variant has been identified in one or more affected individual with a phenotype highly consistent with the associated gene (PMID:15821733). Functional studies show that this variant may disrupt protein function (PMID: 29930102). Computational prediction algorithms indicate this variant is likely to affect gene or protein function. Given the available evidence, this variant is classified as Likely Pathogenic.

Labcorp Genetics (formerly Invitae), Labcorp
Classification: Likely pathogenic. Last evaluated: 2024-04-01. Review status: criteria provided, single submitter. Criteria: Invitae Variant Classification Sherloc (09022015). Collection method: clinical testing. Allele origin: germline.
Comment: This sequence change replaces tryptophan, which is neutral and slightly polar, with glycine, which is neutral and non-polar, at codon 539 of the ESCO2 protein (p.Trp539Gly). This variant is not present in population databases (gnomAD no frequency). This missense change has been observed in individual(s) with Robert's syndrome (PMID: 15821733). ClinVar contains an entry for this variant (Variation ID: 1735). An algorithm developed to predict the effect of missense changes on protein structure and function (PolyPhen-2) suggests that this variant is likely to be disruptive. Experimental studies have shown that this missense change affects ESCO2 function (PMID: 18411254, 19738907). In summary, the currently available evidence indicates that the variant is pathogenic, but additional data are needed to prove that conclusively. Therefore, this variant has been classified as Likely Pathogenic.

OMIM
Classification: Pathogenic for ROBERTS-SC PHOCOMELIA SYNDROME. Last evaluated: 2005-05-01. Review status: no assertion criteria provided. Collection method: literature only. Allele origin: germline. Not counted in ClinVar's aggregate classification.

GeneReviews
No classification provided. Condition: Roberts-SC phocomelia syndrome. Review status: no classification provided. Collection method: literature only. Allele origin: unknown. Not counted in ClinVar's aggregate classification.

Literature cited by the submitters: PubMed 18411254 (cited by Women's Health and Genetics/Laboratory Corporation of America, LabCorp and Labcorp Genetics (formerly Invitae), Labcorp); PubMed 37377435 (cited by Women's Health and Genetics/Laboratory Corporation of America, LabCorp); PubMed 15821733 (cited by 5 submitters); PubMed 19574259 (cited by Women's Health and Genetics/Laboratory Corporation of America, LabCorp); PubMed 19738907 (cited by Women's Health and Genetics/Laboratory Corporation of America, LabCorp and Labcorp Genetics (formerly Invitae), Labcorp); PubMed 29930102 (cited by Natera, Inc.); PubMed 495649 (cited by OMIM); PubMed 20301332 (cited by GeneReviews); NCBI Bookshelf NBK1153 (cited by GeneReviews).